The following is an entry in ClinVar:

NM_004006.3(DMD):c.5457C>A (p.Asp1819Glu)

Gene: DMD (dystrophin; minus strand). Cytogenetic location: Xp21.1.
Variant type: single nucleotide variant.
Coding change: c.5457C>A on transcript NM_004006.3 (MANE Select); coding-DNA position 5457, C replaced by A.
Protein change: p.Asp1819Glu; replaces aspartic acid 1819 with glutamic acid.
Molecular consequence: missense variant.
Genome position (GRCh38, 1-based): chrX:32,346,072, G>T on the plus strand (C>A on the coding strand, the complement: DMD is on the minus strand). VCF-style: chrX-32346072-G-T. GRCh37 (hg19) VCF-style: chrX-32364189-G-T.
Other names: c.5433C>A, p.Asp1811Glu (NM_000109.4); c.5445C>A, p.Asp1815Glu (NM_004009.3); c.5088C>A, p.Asp1696Glu (NM_004010.3); c.1434C>A, p.Asp478Glu (NM_004011.4); c.1425C>A, p.Asp475Glu (NM_004012.4); short protein forms D1696E, D1811E, D1815E, D1819E, D475E, D478E.
Identifiers: ClinVar variation 2440865 (VCV002440865.7), dbSNP rs1360206259, ClinGen allele CA412667493.
Genomic context (GRCh38, chrX:32,346,072, plus strand): 5'-TGTGATTCTTTGTTGTAAGTTGTCTCCTCTTTGCAACAATTCTTTTACAGTACCCTCATT[G>T]TCTTCATTCTGATCAAAAACAACAAGTACAGTCTTCATTTTGGTTTTTAAAAAGCTGTAC-3'
Protein context (NP_003997.2, residues 1809-1829): EEDFNKDMNE[Asp1819Glu]NEGTVKELLQ

ClinVar aggregate classification (germline): Uncertain significance. Review status: criteria provided, multiple submitters, no conflicts (2 of 4 stars). 3 submissions from 3 submitters: Uncertain significance (3). Last evaluated 2026-03-24.

Conditions:
Duchenne muscular dystrophy (DMD). Also called: Duchenne Muscular Dystrophy (DMD); MUSCULAR DYSTROPHY, PSEUDOHYPERTROPHIC PROGRESSIVE, DUCHENNE TYPE. Identifiers: Orphanet 98896, MedGen C0013264, MONDO:0010679, OMIM 310200.

Allele frequency attached by ClinVar (database versions not stated): gnomAD exomes below 0.00001; gnomAD 0.00001.
gnomAD v4.1: 3 of 1,207,317 alleles (0.00025%); highest among the groups gnomAD compares: Non-Finnish European, 0.00034%; no homozygotes.

Submissions (3):

Women's Health and Genetics/Laboratory Corporation of America, LabCorp
Classification: Uncertain significance. Last evaluated: 2026-03-24. Review status: criteria provided, single submitter. Criteria: LabCorp Variant Classification Summary - May 2015. Collection method: clinical testing. Allele origin: germline.
Comment: Variant summary: DMD c.5457C>A (p.Asp1819Glu) results in a conservative amino acid change in the encoded protein sequence. Algorithms developed to predict the effect of missense changes on protein structure and function all suggest that this variant is likely to be tolerated. The variant was absent in 182449 control chromosomes. The available data on variant occurrences in the general population are insufficient to allow any conclusion about variant significance. To our knowledge, no occurrence of c.5457C>A in individuals affected with DMD-related conditions and no experimental evidence demonstrating its impact on protein function have been reported. ClinVar contains an entry for this variant (Variation ID: 2440865). Based on the evidence outlined above, the variant was classified as uncertain significance.

Labcorp Genetics (formerly Invitae), Labcorp
Classification: Uncertain significance for Duchenne muscular dystrophy. Last evaluated: 2024-03-27. Review status: criteria provided, single submitter. Criteria: Invitae Variant Classification Sherloc (09022015). Collection method: clinical testing. Allele origin: germline.
Comment: This sequence change replaces aspartic acid, which is acidic and polar, with glutamic acid, which is acidic and polar, at codon 1819 of the DMD protein (p.Asp1819Glu). This variant is present in population databases (no rsID available, gnomAD 0.009%). This variant has not been reported in the literature in individuals affected with DMD-related conditions. ClinVar contains an entry for this variant (Variation ID: 2440865). Advanced modeling of protein sequence and biophysical properties (such as structural, functional, and spatial information, amino acid conservation, physicochemical variation, residue mobility, and thermodynamic stability) performed at Invitae indicates that this missense variant is not expected to disrupt DMD protein function with a negative predictive value of 95%. In summary, the available evidence is currently insufficient to determine the role of this variant in disease. Therefore, it has been classified as a Variant of Uncertain Significance.

Revvity Omics, Revvity
Classification: Uncertain significance. Last evaluated: 2021-05-24. Review status: criteria provided, single submitter. Criteria: ACMG Guidelines, 2015. Collection method: clinical testing. Allele origin: germline.